The following is an entry in ClinVar:

NM_001128431.4(SLC39A14):c.917T>C (p.Ile306Thr)

Gene: SLC39A14 (solute carrier family 39 member 14; plus strand). Cytogenetic location: 8p21.3.
Variant type: single nucleotide variant.
Coding change: c.917T>C on transcript NM_001128431.4 (MANE Select); coding-DNA position 917, T replaced by C.
Protein change: p.Ile306Thr; replaces isoleucine 306 with threonine.
Molecular consequence: missense variant.
Genome position (GRCh38, 1-based): chr8:22,415,935, T>C. VCF-style: chr8-22415935-T-C. GRCh37 (hg19) VCF-style: chr8-22273448-T-C.
Other names: c.917T>C, p.Ile306Thr (NM_001135153.3, NM_001135154.3, NM_001351655.2 and 3 more transcripts); c.947T>C, p.Ile316Thr (NM_001351657.2, NM_001351658.2, NM_001351659.2); short protein forms I306T, I316T.
Identifiers: ClinVar variation 1917151 (VCV001917151.5), dbSNP rs760788953, ClinGen allele CA4667467.
Genomic context (GRCh38, chr8:22,415,935, plus strand): 5'-TTCCTCAGCACTGCAGCAGTGAGCTGGACGGCAAGGCGCCCATGGTGGACGAGAAGGTCA[T>C]TGTGGGCTCGCTCTCTGTGCAGGTCAGTGGGCCACCAGCTGCTTGGTGGAGCCTCTAAGA-3'
Protein context (NP_001121903.1, residues 296-316): GKAPMVDEKV[Ile306Thr]VGSLSVQDLQ

ClinVar aggregate classification (germline): Uncertain significance (1 of 4 stars; one submission).

Allele frequency attached by ClinVar (database versions not stated): TOPMed below 0.00001; ExAC 0.00001; gnomAD 0.00001; gnomAD exomes 0.00001.
gnomAD v4.1: 11 of 1,606,654 alleles (0.00068%); highest among the groups gnomAD compares: Admixed American, 0.0034%; no homozygotes.

Submission:

Labcorp Genetics (formerly Invitae), Labcorp
Classification: Uncertain significance. Last evaluated: 2022-03-12. Review status: criteria provided, single submitter. Criteria: Invitae Variant Classification Sherloc (09022015). Collection method: clinical testing. Allele origin: germline.
Comment: In summary, the available evidence is currently insufficient to determine the role of this variant in disease. Therefore, it has been classified as a Variant of Uncertain Significance. Algorithms developed to predict the effect of missense changes on protein structure and function (SIFT, PolyPhen-2, Align-GVGD) all suggest that this variant is likely to be tolerated. This variant has not been reported in the literature in individuals affected with SLC39A14-related conditions. This variant is present in population databases (rs760788953, gnomAD 0.003%). This sequence change replaces isoleucine, which is neutral and non-polar, with threonine, which is neutral and polar, at codon 306 of the SLC39A14 protein (p.Ile306Thr).